The following is an entry in ClinVar:

ClinVar aggregate classification (germline): Uncertain significance. Review status: criteria provided, multiple submitters, no conflicts (2 of 4 stars). 2 submissions from 2 submitters: Uncertain significance (2). Last evaluated 2025-02-21.

Conditions:
Inborn genetic diseases. Identifiers: MedGen C0950123, MeSH D030342.

Submissions (2):

Ambry Genetics
Classification: Uncertain significance for Inborn genetic diseases. Last evaluated: 2025-02-21. Review status: criteria provided, single submitter. Criteria: Ambry Variant Classification Scheme 2023. Collection method: clinical testing. Allele origin: germline.

GeneDx
Classification: Uncertain significance. Last evaluated: 2024-10-07. Review status: criteria provided, single submitter. Criteria: GeneDx Variant Classification Process June 2021. Collection method: clinical testing. Allele origin: germline. Affected: yes.
Comment: Not observed at significant frequency in large population cohorts (gnomAD); In silico analysis indicates that this missense variant does not alter protein structure/function; Has not been previously published as pathogenic or benign to our knowledge

NM_000193.4(SHH):c.890G>C (p.Gly297Ala)

Gene: SHH (sonic hedgehog signaling molecule; minus strand). Cytogenetic location: 7q36.3.
Variant type: single nucleotide variant.
Coding change: c.890G>C on transcript NM_000193.4 (MANE Select); coding-DNA position 890, G replaced by C.
Protein change: p.Gly297Ala; replaces glycine 297 with alanine.
Molecular consequence: missense variant. On other transcripts: intron variant (1).
Genome position (GRCh38, 1-based): chr7:155,803,399, C>G on the plus strand (G>C on the coding strand, the complement: SHH is on the minus strand). VCF-style: chr7-155803399-C-G. GRCh37 (hg19) VCF-style: chr7-155596093-C-G.
Other names: c.301+2897G>C (NM_001310462.2); short protein forms G297A.
Identifiers: ClinVar variation 3776706 (VCV003776706.2).